The following is an entry in ClinVar:

ClinVar aggregate classification (germline): Likely benign. Review status: criteria provided, multiple submitters, no conflicts (2 of 4 stars). 2 submissions from 2 submitters: Likely benign (2). Last evaluated 2025-11-23.

Allele frequency attached by ClinVar (database versions not stated): gnomAD 0.00011; gnomAD exomes 0.00011; ExAC 0.00012; TOPMed 0.00012.
gnomAD v4.1: 183 of 1,612,992 alleles (0.011%); highest among the groups gnomAD compares: Non-Finnish European, 0.014%; no homozygotes.

Submissions (2):

Labcorp Genetics (formerly Invitae), Labcorp
Classification: Likely benign. Last evaluated: 2025-11-23. Review status: criteria provided, single submitter. Criteria: Invitae Variant Classification Sherloc (09022015). Collection method: clinical testing. Allele origin: germline.

CeGaT Center for Human Genetics Tuebingen
Classification: Likely benign. Last evaluated: 2023-05-01. Review status: criteria provided, single submitter. Criteria: CeGaT Center For Human Genetics Tuebingen Variant Classification Criteria Version 2. Collection method: clinical testing. Allele origin: germline. Affected: yes. Observed: 1 variant allele.
Comment: MAP3K7: BP4, BP7

NM_145331.3(MAP3K7):c.1159A>C (p.Arg387=)

Gene: MAP3K7 (mitogen-activated protein kinase kinase kinase 7; minus strand). Cytogenetic location: 6q15.
Variant type: single nucleotide variant.
Coding change: c.1159A>C on transcript NM_145331.3 (MANE Select); coding-DNA position 1159, A replaced by C.
Protein change: p.Arg387=; no amino-acid change (arginine 387 retained).
Molecular consequence: synonymous variant.
Genome position (GRCh38, 1-based): chr6:90,547,309, T>G on the plus strand (A>C on the coding strand, the complement: MAP3K7 is on the minus strand). VCF-style: chr6-90547309-T-G. GRCh37 (hg19) VCF-style: chr6-91257028-T-G.
Other names: c.1159A>C, p.Arg387= (NM_003188.4, NM_145332.3, NM_145333.3).
Identifiers: ClinVar variation 743266 (VCV000743266.30), dbSNP rs201372555, ClinGen allele CA3928458.
Genomic context (GRCh38, chr6:90,547,309, plus strand): 5'-CCTTTTTACCTGTGGTTGCGGCGATCCTAGCTTCTATTTCAGACATGTCAGCACTCATCC[T>G]CTTGCCCTCAGAGGTTGGGGGCAAGCTCTCCACACTGCTCCCACGGGAGGCTCCCAAGCT-3'
Protein context (NP_663304.1, residues 377-397): ESLPPTSEGK[Arg387=]MSADMSEIEA